The following is an entry in ClinVar:

NM_000466.3(PEX1):c.3566C>T (p.Thr1189Ile)

Genes: PEX1 (peroxisomal biogenesis factor 1; minus strand), GATAD1 (GATA zinc finger domain containing 1; plus strand). Cytogenetic location: 7q21.2.
Variant type: single nucleotide variant.
Coding change: c.3566C>T on transcript NM_000466.3 (MANE Select); coding-DNA position 3566, C replaced by T.
Protein change: p.Thr1189Ile; replaces threonine 1189 with isoleucine.
Molecular consequence: missense variant.
Genome position (GRCh38, 1-based): chr7:92,489,784, G>A on the plus strand (C>T on the coding strand, the complement: PEX1 is on the minus strand). VCF-style: chr7-92489784-G-A. GRCh37 (hg19) VCF-style: chr7-92119098-G-A.
Other names: c.3395C>T, p.Thr1132Ile (NM_001282677.2); c.2942C>T, p.Thr981Ile (NM_001282678.2); short protein forms T1189I, T1132I, T981I.
Identifiers: ClinVar variation 360913 (VCV000360913.8), dbSNP rs749324355, ClinGen allele CA4340796.

ClinVar aggregate classification (germline): Uncertain significance. Review status: criteria provided, multiple submitters, no conflicts (2 of 4 stars). 4 submissions from 4 submitters: Uncertain significance (4). Last evaluated 2022-02-04.

Conditions:
Peroxisome biogenesis disorder 1A (Zellweger) (PBD1A). Also called: Zellweger leukodystrophy; Peroxisome biogenesis disorder 1a. Identifiers: MedGen C4721541, MONDO:0008953, OMIM 214100.
Zellweger spectrum disorders (ZS). Also called: Zellweger syndrome; Zellweger Spectrum Disorder; Zellweger Spectrum; Zellweger Spectrum Disorder (ZSD). Identifiers: Orphanet 912, MedGen C0043459, MONDO:0019609.
Inborn genetic diseases. Identifiers: MedGen C0950123, MeSH D030342.

Allele frequency attached by ClinVar (database versions not stated): ExAC 0.00001; gnomAD 0.00002 and 0.00003; gnomAD exomes 0.00003; TOPMed 0.00005.
gnomAD v4.1: 89 of 1,613,966 alleles (0.0055%); highest among the groups gnomAD compares: Non-Finnish European, 0.0074%; no homozygotes.

Submissions (4):

Labcorp Genetics (formerly Invitae), Labcorp
Classification: Uncertain significance for Zellweger spectrum disorders. Last evaluated: 2022-02-04. Review status: criteria provided, single submitter. Criteria: Invitae Variant Classification Sherloc (09022015). Collection method: clinical testing. Allele origin: germline.
Comment: This sequence change replaces threonine, which is neutral and polar, with isoleucine, which is neutral and non-polar, at codon 1189 of the PEX1 protein (p.Thr1189Ile). This variant is present in population databases (rs749324355, gnomAD 0.006%). This variant has not been reported in the literature in individuals affected with PEX1-related conditions. ClinVar contains an entry for this variant (Variation ID: 360913). Advanced modeling of protein sequence and biophysical properties (such as structural, functional, and spatial information, amino acid conservation, physicochemical variation, residue mobility, and thermodynamic stability) performed at Invitae indicates that this missense variant is not expected to disrupt PEX1 protein function. In summary, the available evidence is currently insufficient to determine the role of this variant in disease. Therefore, it has been classified as a Variant of Uncertain Significance.

Ambry Genetics
Classification: Uncertain significance for Inborn genetic diseases. Last evaluated: 2021-10-06. Review status: criteria provided, single submitter. Criteria: Ambry Variant Classification Scheme 2023. Collection method: clinical testing. Allele origin: germline.

GeneDx
Classification: Uncertain significance. Last evaluated: 2020-02-18. Review status: criteria provided, single submitter. Criteria: GeneDx Variant Classification Process June 2021. Collection method: clinical testing. Allele origin: germline. Affected: yes.
Comment: Not observed at a significant frequency in large population cohorts (Lek et al., 2016); In silico analysis supports that this missense variant does not alter protein structure/function; In-silico analysis is inconclusive as to whether the variant alters gene splicing. In the absence of RNA/functional studies, the actual effect of this sequence change is unknown.; Has not been previously published as pathogenic or benign to our knowledge

Illumina Laboratory Services, Illumina
Classification: Uncertain significance for Peroxisome biogenesis disorder 1A (Zellweger). Last evaluated: 2018-01-13. Review status: criteria provided, single submitter. Criteria: ICSL Variant Classification Criteria 13 December 2019. Collection method: clinical testing. Allele origin: germline.